The following is an entry in ClinVar:

ClinVar aggregate classification (germline): Uncertain significance (1 of 4 stars; one submission).

gnomAD v4.1: 3 of 1,209,795 alleles (0.00025%); highest among the groups gnomAD compares: Non-Finnish European, 0.00034%; no homozygotes.

Submission:

GeneDx
Classification: Uncertain significance. Last evaluated: 2024-10-21. Review status: criteria provided, single submitter. Criteria: GeneDx Variant Classification Process June 2021. Collection method: clinical testing. Allele origin: germline. Affected: yes.
Comment: In silico analysis supports that this missense variant has a deleterious effect on protein structure/function; Has not been previously published as pathogenic or benign to our knowledge

NM_020922.5(WNK3):c.2939C>T (p.Ser980Phe)

Gene: WNK3 (WNK lysine deficient protein kinase 3; minus strand). Cytogenetic location: Xp11.22.
Variant type: single nucleotide variant.
Coding change: c.2939C>T on transcript NM_020922.5 (MANE Select); coding-DNA position 2939, C replaced by T.
Protein change: p.Ser980Phe; replaces serine 980 with phenylalanine.
Molecular consequence: missense variant.
Genome position (GRCh38, 1-based): chrX:54,249,409, G>A on the plus strand (C>T on the coding strand, the complement: WNK3 is on the minus strand). VCF-style: chrX-54249409-G-A. GRCh37 (hg19) VCF-style: chrX-54275842-G-A.
Other names: c.2939C>T, p.Ser980Phe (NM_001002838.4, NM_001395166.1); short protein forms S980F.
Identifiers: ClinVar variation 3781121 (VCV003781121.1).
Genomic context (GRCh38, chrX:54,249,409, plus strand): 5'-ATGCTTGCTTGTTTGGTGAGTCCCTCACATTCAGCTGGAACTGCACGAACTGAAGTAGTA[G>A]AGTAACTGGAACTATTAGTAACTGGTGCCATTATCTGCCTGTTATCTTCCACTTGATAAA-3'
Protein context (NP_065973.2, residues 970-990): MAPVTNSSSY[Ser980Phe]TTSVRAVPAE